The following is an entry in ClinVar:

ClinVar aggregate classification (germline): Pathogenic (1 of 4 stars; one submission).

Conditions:
Tuberous sclerosis 2 (TSC2). Identifiers: Orphanet 805, MedGen C1860707, MONDO:0013199, OMIM 613254.

Submission:

Labcorp Genetics (formerly Invitae), Labcorp
Classification: Pathogenic for Tuberous sclerosis 2. Last evaluated: 2022-02-14. Review status: criteria provided, single submitter. Criteria: Invitae Variant Classification Sherloc (09022015). Collection method: clinical testing. Allele origin: germline.
Comment: For these reasons, this variant has been classified as Pathogenic. A similar copy number variant has been observed in individual(s) with tuberous sclerosis complex (PMID: 17287951). This variant is a gross deletion of the genomic region encompassing exon(s) 1-14 of the TSC2 gene, which includes the initiator codon. This deletion extends beyond the assayed region for this gene and therefore may encompass additional genes. It is expected to result in an absent or disrupted protein product. Loss-of-function variants in TSC2 are known to be pathogenic (PMID: 10205261, 17304050).

Literature cited by the submitters: PubMed 17287951; PubMed 10205261; PubMed 17304050.

NC_000016.9:g.(?_2093548)_(2113074_?)del

Genes: NTHL1 (nth like DNA glycosylase 1; minus strand), TSC2 (TSC complex subunit 2; plus strand). Cytogenetic location: 16p13.3.
Variant type: Deletion.
Identifiers: ClinVar variation 2423284 (VCV002423284.4).